The following is an entry in ClinVar:

NM_003356.4(UCP3):c.126+5G>A

Gene: UCP3 (uncoupling protein 3; minus strand). Cytogenetic location: 11q13.4.
Variant type: single nucleotide variant.
Coding change: c.126+5G>A on transcript NM_003356.4 (MANE Select); 5 bases into the intron after coding-DNA position 126, G replaced by A.
Molecular consequence: intron variant.
Genome position (GRCh38, 1-based): chr11:74,006,912, C>T on the plus strand (G>A on the coding strand, the complement: UCP3 is on the minus strand). VCF-style: chr11-74006912-C-T. GRCh37 (hg19) VCF-style: chr11-73717957-C-T.
Other names: c.126+5G>A (NM_022803.3).
Identifiers: ClinVar variation 4984801 (VCV004984801.1).
Genomic context (GRCh38, chr11:74,006,912, plus strand): 5'-GGATATGGGAGAGAACTAGCCCCTCCTTCCATGTGATCAATGACCCTTGGCCAAAGGGCA[C>T]CTACCTGCAGGCGGACCTTGGCTGTGTCCAGTGGAAAGGTAACGAGGTCAGCAAAACAGG-3'

ClinVar aggregate classification (germline): Uncertain significance (1 of 4 stars; one submission).

Conditions:
UCP3-related disorder. Also called: UCP3-related condition.

gnomAD v4.1: 26 of 1,614,064 alleles (0.0016%); highest among the groups gnomAD compares: Middle Eastern, 0.016%; no homozygotes.

Submission:

PreventionGenetics, part of Exact Sciences
Classification: Uncertain significance for UCP3-related condition. Last evaluated: 2026-01-14. Review status: criteria provided, single submitter. Criteria: ACMG Guidelines, 2015. Collection method: clinical testing. Allele origin: germline.
Comment: The UCP3 c.126+5G>A variant is predicted to interfere with splicing. This variant is predicted to alter splicing based on available splicing prediction programs (SpliceAI, Jaganathan et al. 2019. PubMed ID: 30661751). However, the use of computer prediction programs is not equivalent to functional evidence. To our knowledge, this variant has not been reported in the literature. This variant is reported in 0.0023% of alleles in individuals of European (Non-Finnish) descent in gnomAD. At this time, the clinical significance of this variant is classified as uncertain due to insufficient functional and genetic evidence.